The following is an entry in ClinVar:

ClinVar aggregate classification (germline): Benign. Review status: criteria provided, multiple submitters, no conflicts (2 of 4 stars). 4 submissions from 4 submitters: Benign (4). Last evaluated 2024-01-24.

Allele frequency attached by ClinVar (database versions not stated): 1000 Genomes Project 0.07069; 1000 Genomes Project 30x 0.07245; gnomAD exomes 0.10434 and 0.12215; ExAC 0.10574; gnomAD 0.10653 and 0.10897; TOPMed 0.10809; ESP Exome Variant Server 0.11633.
gnomAD v4.1: 161,737 of 1,343,810 alleles (12%); highest among the groups gnomAD compares: Middle Eastern, 16%; 10,497 homozygotes.

Submissions (4):

Unidad de Genómica Garrahan, Hospital de Pediatría Garrahan
Classification: Benign. Last evaluated: 2024-01-24. Review status: criteria provided, single submitter. Criteria: ACMG Guidelines, 2015. Collection method: clinical testing. Allele origin: germline. Affected: no. Observed: 20 variant alleles.
Comment: This variant is classified as Benign based on local population frequency. This variant was detected in 21% of patients studied by a panel of primary immunodeficiencies. Number of patients: 20. Only high quality variants are reported.

GeneDx
Classification: Benign. Last evaluated: 2018-10-05. Review status: criteria provided, single submitter. Criteria: GeneDx Variant Classification Process June 2021. Collection method: clinical testing. Allele origin: germline. Affected: yes.

Breakthrough Genomics
Classification: Benign. Review status: criteria provided, single submitter. Criteria: ACMG Guidelines, 2015. Collection method: not provided. Allele origin: germline. Inheritance: Autosomal recessive inheritance. Affected: yes.

PreventionGenetics, part of Exact Sciences
Classification: Benign. Review status: criteria provided, single submitter. Criteria: ACMG Guidelines, 2015. Collection method: clinical testing. Allele origin: germline.

NM_000081.4(LYST):c.5023+41C>T

Gene: LYST (lysosomal trafficking regulator; minus strand). Cytogenetic location: 1q42.3.
Variant type: single nucleotide variant.
Coding change: c.5023+41C>T on transcript NM_000081.4 (MANE Select); 41 bases into the intron after coding-DNA position 5023, C replaced by T.
Molecular consequence: intron variant.
Genome position (GRCh38, 1-based): chr1:235,781,886, G>A on the plus strand (C>T on the coding strand, the complement: LYST is on the minus strand). VCF-style: chr1-235781886-G-A. GRCh37 (hg19) VCF-style: chr1-235945186-G-A.
Other names: c.5023+41C>T (NM_001301365.1).
Identifiers: ClinVar variation 254924 (VCV000254924.8), dbSNP rs72763416, ClinGen allele CA1466709.
Genomic context (GRCh38, chr1:235,781,886, plus strand): 5'-TATTTGTTAACTGAGAAAAAAAACTGGAAATGTTTCAAAGGAAAAAAATCTCACTCTGTC[G>A]CCCAGGCTGAAGTGCAGTGGTGCAATCATAGCTCACTCACCGTTGAAGAGAAGCAAATTT-3'